The following is an entry in ClinVar:

NM_015378.4(VPS13D):c.11024C>A (p.Ser3675Tyr)

Gene: VPS13D (vacuolar protein sorting 13 homolog D; plus strand). Cytogenetic location: 1p36.22.
Variant type: single nucleotide variant.
Coding change: c.11024C>A on transcript NM_015378.4 (MANE Select); coding-DNA position 11024, C replaced by A.
Protein change: p.Ser3675Tyr; replaces serine 3675 with tyrosine.
Molecular consequence: missense variant.
Genome position (GRCh38, 1-based): chr1:12,378,534, C>A. VCF-style: chr1-12378534-C-A. GRCh37 (hg19) VCF-style: chr1-12438588-C-A.
Other names: c.10949C>A, p.Ser3650Tyr (NM_018156.4); short protein forms S3675Y, S3650Y.
Identifiers: ClinVar variation 4693547 (VCV004693547.1).

ClinVar aggregate classification (germline): Uncertain significance (1 of 4 stars; one submission).

gnomAD v4.1: 20 of 1,611,990 alleles (0.0012%); highest among the groups gnomAD compares: Non-Finnish European, 0.0016%; no homozygotes.

Submission:

Labcorp Genetics (formerly Invitae), Labcorp
Classification: Uncertain significance. Last evaluated: 2025-11-29. Review status: criteria provided, single submitter. Criteria: Invitae Variant Classification Sherloc (09022015). Collection method: clinical testing. Allele origin: germline.
Comment: This sequence change replaces serine, which is neutral and polar, with tyrosine, which is neutral and polar, at codon 3675 of the VPS13D protein (p.Ser3675Tyr). This variant is present in population databases (rs769172017, gnomAD 0.003%). This variant has not been reported in the literature in individuals affected with VPS13D-related conditions. Invitae Evidence Modeling of protein sequence and biophysical properties (such as structural, functional, and spatial information, amino acid conservation, physicochemical variation, residue mobility, and thermodynamic stability) indicates that this missense variant is not expected to disrupt VPS13D protein function with a negative predictive value of 80%. In summary, the available evidence is currently insufficient to determine the role of this variant in disease. Therefore, it has been classified as a Variant of Uncertain Significance.